The following is an entry in ClinVar:

NM_001271.4(CHD2):c.557T>C (p.Val186Ala)

Gene: CHD2 (chromodomain helicase DNA binding protein 2; plus strand). Cytogenetic location: 15q26.1.
Variant type: single nucleotide variant.
Coding change: c.557T>C on transcript NM_001271.4 (MANE Select); coding-DNA position 557, T replaced by C.
Protein change: p.Val186Ala; replaces valine 186 with alanine.
Molecular consequence: missense variant.
Genome position (GRCh38, 1-based): chr15:92,939,583, T>C. VCF-style: chr15-92939583-T-C. GRCh37 (hg19) VCF-style: chr15-93482813-T-C.
Other names: c.557T>C, p.Val186Ala (NM_001042572.3); short protein forms V186A.
Identifiers: ClinVar variation 1017342 (VCV001017342.11), dbSNP rs760795656, ClinGen allele CA7747570.
Genomic context (GRCh38, chr15:92,939,583, plus strand): 5'-TAGACACCAAATGATAAAGTGAAGACTTAGCCTTTTGTTTCTCTTCTCATTTTAGAACAG[T>C]GCCCAAACCTCGTGTTAAAAAGCAGCCGAAGACTCAGCGTGGAAAGAGAAAAAAGCAAGA-3'
Protein context (NP_001262.3, residues 176-196): KARRPVPRRT[Val186Ala]PKPRVKKQPK

ClinVar aggregate classification (germline): Uncertain significance (1 of 4 stars; one submission).

Conditions:
Developmental and epileptic encephalopathy 94 (DEE94). Also called: CHD2-Related Neurodevelopmental Disorders; Epileptic encephalopathy, childhood-onset. Identifiers: Orphanet 1942, Orphanet 2382, MedGen C3809278, MONDO:0014150, OMIM 615369.

Allele frequency attached by ClinVar (database versions not stated): gnomAD exomes below 0.00001 and 0.00001; TOPMed below 0.00001; ExAC 0.00002.
gnomAD v4.1: 1 of 1,613,292 alleles (0.000062%); highest among the groups gnomAD compares: Non-Finnish European, 0.000085%; no homozygotes.

Submission:

Labcorp Genetics (formerly Invitae), Labcorp
Classification: Uncertain significance for Developmental and epileptic encephalopathy 94. Last evaluated: 2020-02-24. Review status: criteria provided, single submitter. Criteria: Invitae Variant Classification Sherloc (09022015). Collection method: clinical testing. Allele origin: germline.
Comment: In summary, the available evidence is currently insufficient to determine the role of this variant in disease. Therefore, it has been classified as a Variant of Uncertain Significance. Algorithms developed to predict the effect of missense changes on protein structure and function do not agree on the potential impact of this missense change (SIFT: "Deleterious"; PolyPhen-2: "Benign"; Align-GVGD: "Class C25"). This variant has not been reported in the literature in individuals with CHD2-related disease. This variant is present in population databases (rs760795656, ExAC 0.003%). This sequence change replaces valine with alanine at codon 186 of the CHD2 protein (p.Val186Ala). The valine residue is highly conserved and there is a small physicochemical difference between valine and alanine.